The following is an entry in ClinVar:

ClinVar aggregate classification (germline): Uncertain significance (1 of 4 stars; one submission).

Conditions:
Fanconi anemia (FA). Also called: Fanconi's anemia. Identifiers: Orphanet 84, MedGen C0015625, MeSH D005199, MONDO:0019391.

Submission:

Labcorp Genetics (formerly Invitae), Labcorp
Classification: Uncertain significance for Fanconi anemia. Last evaluated: 2018-09-25. Review status: criteria provided, single submitter. Criteria: Invitae Variant Classification Sherloc (09022015). Collection method: clinical testing. Allele origin: germline.
Comment: In summary, the available evidence is currently insufficient to determine the role of this variant in disease. Therefore, it has been classified as a Variant of Uncertain Significance. Algorithms developed to predict the effect of missense changes on protein structure and function (SIFT, PolyPhen-2, Align-GVGD) all suggest that this variant is likely to be disruptive, but these predictions have not been confirmed by published functional studies and their clinical significance is uncertain. This variant has not been reported in the literature in individuals with FANCL-related disease. This variant is not present in population databases (ExAC no frequency). This sequence change replaces leucine with serine at codon 288 of the FANCL protein (p.Leu288Ser). The leucine residue is highly conserved and there is a large physicochemical difference between leucine and serine.

NM_018062.4(FANCL):c.863T>C (p.Leu288Ser)

Gene: FANCL (FA complementation group L; minus strand). Cytogenetic location: 2p16.1.
Variant type: single nucleotide variant.
Coding change: c.863T>C on transcript NM_018062.4 (MANE Select); coding-DNA position 863, T replaced by C.
Protein change: p.Leu288Ser; replaces leucine 288 with serine.
Molecular consequence: missense variant.
Genome position (GRCh38, 1-based): chr2:58,162,906, A>G on the plus strand (T>C on the coding strand, the complement: FANCL is on the minus strand). VCF-style: chr2-58162906-A-G. GRCh37 (hg19) VCF-style: chr2-58390041-A-G.
Other names: c.878T>C, p.Leu293Ser (NM_001114636.2); c.908T>C, p.Leu303Ser (NM_001374615.1); c.923T>C, p.Leu308Ser (NM_001410792.1); short protein forms L293S, L288S, L303S, L308S.
Identifiers: ClinVar variation 656401 (VCV000656401.9), dbSNP rs1573513610, ClinGen allele CA346935159.